The following is an entry in ClinVar:

NM_005529.7(HSPG2):c.8077G>A (p.Glu2693Lys)

Gene: HSPG2 (heparan sulfate proteoglycan 2; minus strand). Cytogenetic location: 1p36.12.
Variant type: single nucleotide variant.
Coding change: c.8077G>A on transcript NM_005529.7 (MANE Select); coding-DNA position 8077, G replaced by A.
Protein change: p.Glu2693Lys; replaces glutamic acid 2693 with lysine.
Molecular consequence: missense variant.
Genome position (GRCh38, 1-based): chr1:21,847,441, C>T on the plus strand (G>A on the coding strand, the complement: HSPG2 is on the minus strand). VCF-style: chr1-21847441-C-T. GRCh37 (hg19) VCF-style: chr1-22173934-C-T.
Other names: c.8080G>A, p.Glu2694Lys (NM_001291860.2); c.8077G>A (NM_005529.5); short protein forms E2693K, E2694K.
Identifiers: ClinVar variation 2684226 (VCV002684226.2), dbSNP rs772362636, ClinGen allele CA670932.

ClinVar aggregate classification (germline): Uncertain significance. Review status: criteria provided, multiple submitters, no conflicts (2 of 4 stars). 2 submissions from 2 submitters: Uncertain significance (2). Last evaluated 2024-06-16.

Conditions:
Inborn genetic diseases. Identifiers: MedGen C0950123, MeSH D030342.

Allele frequency attached by ClinVar (database versions not stated): ExAC 0.00001.
gnomAD v4.1: 32 of 1,613,924 alleles (0.002%); highest among the groups gnomAD compares: South Asian, 0.0033%; no homozygotes.

Submissions (2):

Ambry Genetics
Classification: Uncertain significance for Inborn genetic diseases. Last evaluated: 2024-06-16. Review status: criteria provided, single submitter. Criteria: Ambry Variant Classification Scheme 2023. Collection method: clinical testing. Allele origin: germline.

Athena Diagnostics
Classification: Uncertain significance. Last evaluated: 2022-11-11. Review status: criteria provided, single submitter. Criteria: Athena Diagnostics Criteria. Collection method: clinical testing. Allele origin: unknown.
Comment: Available data are insufficient to determine the clinical significance of the variant at this time. The frequency of this variant in the general population is uninformative in assessment of its pathogenicity. Computational tools disagree on the variant's effect on normal protein function.